The following is an entry in ClinVar:

ClinVar aggregate classification (germline): Uncertain significance (1 of 4 stars; one submission).

Conditions:
Hereditary spastic paraplegia 11. Also called: SPASTIC PARAPLEGIA, AUTOSOMAL RECESSIVE, COMPLICATED, WITH THIN CORPUS CALLOSUM; SPASTIC PARAPLEGIA, AUTOSOMAL RECESSIVE, WITH MENTAL IMPAIRMENT AND THIN CORPUS CALLOSUM; Nakamura Osame syndrome; Autosomal recessive hereditary spastic paraplegia, mental impairment, and thin corpus callosum; Spastic paraplegia, mental retardation and thin corpus callosum; Spastic Paraplegia 11. Identifiers: Orphanet 2822, MedGen C1858479, MONDO:0011445, OMIM 604360.

Submission:

Labcorp Genetics (formerly Invitae), Labcorp
Classification: Uncertain significance for Hereditary spastic paraplegia 11. Last evaluated: 2017-05-24. Review status: criteria provided, single submitter. Criteria: Invitae Variant Classification Sherloc (09022015). Collection method: clinical testing. Allele origin: germline.
Comment: This variant is not present in population databases (ExAC no frequency). This sequence change replaces histidine with arginine at codon 1809 of the SPG11 protein (p.His1809Arg). The histidine residue is moderately conserved and there is a small physicochemical difference between histidine and arginine. This variant has not been reported in the literature in individuals with an SPG11-related disease. Algorithms developed to predict the effect of missense changes on protein structure and function do not agree on the potential impact of this missense change (SIFT: "Deleterious"; PolyPhen-2: "Benign"; Align-GVGD: "Class C0"). In summary, this variant has uncertain impact on SPG11 function. The available evidence is currently insufficient to determine its role in disease. Therefore, it has been classified as a Variant of Uncertain Significance.

NM_025137.4(SPG11):c.5426A>G (p.His1809Arg)

Gene: SPG11 (SPG11 vesicle trafficking associated, spatacsin; minus strand). Cytogenetic location: 15q21.1.
Variant type: single nucleotide variant.
Coding change: c.5426A>G on transcript NM_025137.4 (MANE Select); coding-DNA position 5426, A replaced by G.
Protein change: p.His1809Arg; replaces histidine 1809 with arginine.
Molecular consequence: missense variant.
Genome position (GRCh38, 1-based): chr15:44,584,254, T>C on the plus strand (A>G on the coding strand, the complement: SPG11 is on the minus strand). VCF-style: chr15-44584254-T-C. GRCh37 (hg19) VCF-style: chr15-44876452-T-C.
Other names: c.5426A>G, p.His1809Arg (NM_001160227.2); short protein forms H1809R.
Identifiers: ClinVar variation 466541 (VCV000466541.8), dbSNP rs1555448900, ClinGen allele CA392222572.